The following is an entry in ClinVar:

ClinVar aggregate classification (germline): Uncertain significance (1 of 4 stars; one submission).

Allele frequency attached by ClinVar (database versions not stated): gnomAD exomes 0.00002 and 0.00003; ExAC 0.00004; gnomAD 0.00007 and 0.00009; TOPMed 0.00013; ESP Exome Variant Server 0.00015.

Submission:

Labcorp Genetics (formerly Invitae), Labcorp
Classification: Uncertain significance. Last evaluated: 2026-01-05. Review status: criteria provided, single submitter. Criteria: Invitae Variant Classification Sherloc (09022015). Collection method: clinical testing. Allele origin: germline.
Comment: This sequence change replaces glutamic acid, which is acidic and polar, with lysine, which is basic and polar, at codon 96 of the SIAE protein (p.Glu96Lys). This variant is present in population databases (rs375087861, gnomAD 0.03%). This variant has not been reported in the literature in individuals affected with SIAE-related conditions. ClinVar contains an entry for this variant (Variation ID: 1504317). An algorithm developed to predict the effect of missense changes on protein structure and function outputs the following: PolyPhen-2: "Benign". The lysine amino acid residue is found in multiple mammalian species, which suggests that this missense change does not adversely affect protein function. In summary, the available evidence is currently insufficient to determine the role of this variant in disease. Therefore, it has been classified as a Variant of Uncertain Significance.

NM_170601.5(SIAE):c.286G>A (p.Glu96Lys)

Gene: SIAE (sialic acid acetylesterase; minus strand). Cytogenetic location: 11q24.2.
Variant type: single nucleotide variant.
Coding change: c.286G>A on transcript NM_170601.5 (MANE Select); coding-DNA position 286, G replaced by A.
Protein change: p.Glu96Lys; replaces glutamic acid 96 with lysine.
Molecular consequence: missense variant.
Genome position (GRCh38, 1-based): chr11:124,660,747, C>T on the plus strand (G>A on the coding strand, the complement: SIAE is on the minus strand). VCF-style: chr11-124660747-C-T. GRCh37 (hg19) VCF-style: chr11-124530643-C-T.
Other names: c.181G>A, p.Glu61Lys (NM_001199922.2); short protein forms E61K, E96K.
Identifiers: ClinVar variation 1504317 (VCV001504317.7), dbSNP rs375087861, ClinGen allele CA6341588.